The following is an entry in ClinVar:

ClinVar aggregate classification (germline): Uncertain significance (1 of 4 stars; one submission).

Conditions:
Neurofibromatosis, type 1 (NF1). Also called: VON RECKLINGHAUSEN DISEASE; Neurofibromatosis, type I; NEUROFIBROMATOSIS, TYPE I, SOMATIC; Peripheral type neurofibromatosis. Identifiers: Orphanet 636, MedGen C0027831, MONDO:0018975, OMIM 162200. Disease mechanism: loss of function.

Submission:

Labcorp Genetics (formerly Invitae), Labcorp
Classification: Uncertain significance for Neurofibromatosis, type 1. Last evaluated: 2023-09-04. Review status: criteria provided, single submitter. Criteria: Invitae Variant Classification Sherloc (09022015). Collection method: clinical testing. Allele origin: germline.
Comment: This sequence change replaces serine, which is neutral and polar, with proline, which is neutral and non-polar, at codon 1663 of the NF1 protein (p.Ser1663Pro). This variant is not present in population databases (gnomAD no frequency). This variant has not been reported in the literature in individuals affected with NF1-related conditions. Advanced modeling of protein sequence and biophysical properties (such as structural, functional, and spatial information, amino acid conservation, physicochemical variation, residue mobility, and thermodynamic stability) performed at Invitae indicates that this missense variant is expected to disrupt NF1 protein function. In summary, the available evidence is currently insufficient to determine the role of this variant in disease. Therefore, it has been classified as a Variant of Uncertain Significance.

NM_001042492.3(NF1):c.5050T>C (p.Ser1684Pro)

Gene: NF1 (neurofibromin 1; plus strand). Cytogenetic location: 17q11.2.
Variant type: single nucleotide variant.
Coding change: c.5050T>C on transcript NM_001042492.3 (MANE Select); coding-DNA position 5050, T replaced by C.
Protein change: p.Ser1684Pro; replaces serine 1684 with proline.
Molecular consequence: missense variant.
Genome position (GRCh38, 1-based): chr17:31,326,034, T>C. VCF-style: chr17-31326034-T-C. GRCh37 (hg19) VCF-style: chr17-29653052-T-C.
Other names: c.4987T>C, p.Ser1663Pro (NM_000267.4); short protein forms S1663P, S1684P.
Identifiers: ClinVar variation 2794163 (VCV002794163.3), dbSNP rs2508696518, ClinGen allele CA399007400.
Genomic context (GRCh38, chr17:31,326,034, plus strand): 5'-GTTGTTTTTCCTGGCTTTGCTTACGACAACGTCTCCGCAGTCTATATCTATAACTGTAAC[T>C]CCTGGGTCAGGGAGTACACCAAGTATCATGAGCGGCTGCTGACTGGCCTCAAAGGTAGCA-3'
Protein context (NP_001035957.1, residues 1674-1694): VSAVYIYNCN[Ser1684Pro]WVREYTKYHE